The following is an entry in ClinVar:

NM_000878.5(IL2RB):c.332G>A (p.Arg111His)

Gene: IL2RB (interleukin 2 receptor subunit beta; minus strand). Cytogenetic location: 22q12.3.
Variant type: single nucleotide variant.
Coding change: c.332G>A on transcript NM_000878.5 (MANE Select); coding-DNA position 332, G replaced by A.
Protein change: p.Arg111His; replaces arginine 111 with histidine.
Molecular consequence: missense variant.
Genome position (GRCh38, 1-based): chr22:37,139,173, C>T on the plus strand (G>A on the coding strand, the complement: IL2RB is on the minus strand). VCF-style: chr22-37139173-C-T. GRCh37 (hg19) VCF-style: chr22-37535213-C-T.
Other names: c.332G>A, p.Arg111His (NM_001346222.1, NM_001346223.2); c.332G>A (NM_000878.2); short protein forms R111H.
Identifiers: ClinVar variation 1486632 (VCV001486632.6), dbSNP rs137877148, ClinGen allele CA10216666.

ClinVar aggregate classification (germline): Uncertain significance. Review status: criteria provided, multiple submitters, no conflicts (2 of 4 stars). 2 submissions from 2 submitters: Uncertain significance (2). Last evaluated 2025-12-17.

Allele frequency attached by ClinVar (database versions not stated): TOPMed 0.00004; gnomAD 0.00006; ESP Exome Variant Server 0.00008; gnomAD exomes 0.00008; ExAC 0.00009.
gnomAD v4.1: 97 of 1,613,852 alleles (0.006%); highest among the groups gnomAD compares: East Asian, 0.056%; no homozygotes.

Submissions (2):

Labcorp Genetics (formerly Invitae), Labcorp
Classification: Uncertain significance. Last evaluated: 2025-12-17. Review status: criteria provided, single submitter. Criteria: Invitae Variant Classification Sherloc (09022015). Collection method: clinical testing. Allele origin: germline.
Comment: This sequence change replaces arginine, which is basic and polar, with histidine, which is basic and polar, at codon 111 of the IL2RB protein (p.Arg111His). This variant is present in population databases (rs137877148, gnomAD 0.02%). This variant has not been reported in the literature in individuals affected with IL2RB-related conditions. ClinVar contains an entry for this variant (Variation ID: 1486632). An algorithm developed to predict the effect of missense changes on protein structure and function outputs the following: PolyPhen-2: "Benign". The histidine amino acid residue is found in multiple mammalian species, which suggests that this missense change does not adversely affect protein function. In summary, the available evidence is currently insufficient to determine the role of this variant in disease. Therefore, it has been classified as a Variant of Uncertain Significance.

Ambry Genetics
Classification: Uncertain significance. Last evaluated: 2023-10-10. Review status: criteria provided, single submitter. Criteria: Ambry Variant Classification Scheme 2023. Collection method: clinical testing. Allele origin: germline.